The following is an entry in ClinVar:

NM_005476.7(GNE):c.1354A>G (p.Met452Val)

Gene: GNE (glucosamine (UDP-N-acetyl)-2-epimerase/N-acetylmannosamine kinase; minus strand). Cytogenetic location: 9p13.3.
Variant type: single nucleotide variant.
Coding change: c.1354A>G on transcript NM_005476.7 (MANE Select); coding-DNA position 1354, A replaced by G.
Protein change: p.Met452Val; replaces methionine 452 with valine.
Molecular consequence: missense variant.
Genome position (GRCh38, 1-based): chr9:36,223,430, T>C on the plus strand (A>G on the coding strand, the complement: GNE is on the minus strand). VCF-style: chr9-36223430-T-C. GRCh37 (hg19) VCF-style: chr9-36223427-T-C.
Other names: c.1447A>G, p.Met483Val (NM_001128227.3); c.1354A>G, p.Met452Val (NM_001190383.3); c.1024A>G, p.Met342Val (NM_001190384.3); c.1177A>G, p.Met393Val (NM_001190388.2, NM_001374798.1); c.1201A>G, p.Met401Val (NM_001374797.1); short protein forms M452V, M483V, M342V, M401V, M393V.
Identifiers: ClinVar variation 553775 (VCV000553775.15), dbSNP rs746051210, ClinGen allele CA5056498.
Genomic context (GRCh38, chr9:36,223,430, plus strand): 5'-TACCTACTCCCAAAATTCTGCAGTTCAGTTTTACAGCTTCTGCTGCAGCTTCCACACACA[T>C]CTGTAGGATTAAATTAATCCTCTCTTCATAGGTTTTAGGATTGAACTGAGTATACTTCTT-3'
Protein context (NP_005467.1, residues 442-462): YEERINLILQ[Met452Val]CVEAAAEAVK

ClinVar aggregate classification (germline): Uncertain significance. Review status: criteria provided, multiple submitters, no conflicts (2 of 4 stars). 4 submissions from 4 submitters: Uncertain significance (2). 2 of the submissions do not count toward it. Last evaluated 2026-02-26.

Conditions:
Inborn genetic diseases. Identifiers: MedGen C0950123, MeSH D030342.
Sialuria. Also called: Sialic Acid Storage Disease; SIALURIA, FRENCH TYPE. Identifiers: Orphanet 3166, MedGen C0342853, MONDO:0010028, OMIM 269921.
GNE myopathy (NM). Also called: IBM 2; Inclusion body myopathy autosomal recessive; Inclusion body myopathy quadriceps sparing; INCLUSION BODY MYOPATHY, HEREDITARY, AUTOSOMAL RECESSIVE; INCLUSION BODY MYOPATHY 2, AUTOSOMAL RECESSIVE; MYOPATHY, DISTAL, WITH OR WITHOUT RIMMED VACUOLES. Identifiers: Orphanet 602, MedGen C1853926, MONDO:0011603, OMIM 605820.

Allele frequency attached by ClinVar (database versions not stated): gnomAD 0.00001; gnomAD exomes 0.00001 and 0.00002; TOPMed 0.00001; ExAC 0.00002.
gnomAD v4.1: 9 of 1,611,446 alleles (0.00056%); highest among the groups gnomAD compares: Non-Finnish European, 0.00076%; no homozygotes.

Submissions (4):

Ambry Genetics
Classification: Uncertain significance for Inborn genetic diseases. Last evaluated: 2026-02-26. Review status: criteria provided, single submitter. Criteria: Ambry Variant Classification Scheme 2023. Collection method: clinical testing. Allele origin: germline.
Comment: The c.1447A>G (p.M483V) alteration is located in exon 8 (coding exon 8) of the GNE gene. This alteration results from a A to G substitution at nucleotide position 1447, causing the methionine (M) at amino acid position 483 to be replaced by a valine (V). Based on data from gnomAD, the G allele has an overall frequency of 0.002% (4/251402) total alleles studied. The highest observed frequency was 0.004% (4/113714) of European (non-Finnish) alleles. Based on insufficient or conflicting evidence, the clinical significance of this alteration remains unclear.

Labcorp Genetics (formerly Invitae), Labcorp
Classification: Uncertain significance for Sialuria; GNE myopathy. Last evaluated: 2025-06-06. Review status: criteria provided, single submitter. Criteria: Invitae Variant Classification Sherloc (09022015). Collection method: clinical testing. Allele origin: germline.
Comment: This sequence change replaces methionine, which is neutral and non-polar, with valine, which is neutral and non-polar, at codon 483 of the GNE protein (p.Met483Val). This variant is present in population databases (rs746051210, gnomAD 0.004%). This variant has not been reported in the literature in individuals affected with GNE-related conditions. ClinVar contains an entry for this variant (Variation ID: 553775). Invitae Evidence Modeling of protein sequence and biophysical properties (such as structural, functional, and spatial information, amino acid conservation, physicochemical variation, residue mobility, and thermodynamic stability) has been performed for this missense variant. However, the output from this modeling did not meet the statistical confidence thresholds required to predict the impact of this variant on GNE protein function. In summary, the available evidence is currently insufficient to determine the role of this variant in disease. Therefore, it has been classified as a Variant of Uncertain Significance.

Natera, Inc.
Classification: Uncertain significance for Nonaka myopathy. Last evaluated: 2019-10-28. Review status: no assertion criteria provided. Collection method: clinical testing. Allele origin: germline. Not counted in ClinVar's aggregate classification.

Counsyl
Classification: Uncertain significance for GNE myopathy. Last evaluated: 2017-11-14. Review status: no assertion criteria provided. Collection method: clinical testing. Allele origin: unknown. Not counted in ClinVar's aggregate classification.